The following is an entry in ClinVar:

NM_000214.3(JAG1):c.123C>G (p.Ser41=)

Gene: JAG1 (jagged canonical Notch ligand 1; minus strand). Cytogenetic location: 20p12.2.
Variant type: single nucleotide variant.
Coding change: c.123C>G on transcript NM_000214.3 (MANE Select); coding-DNA position 123, C replaced by G.
Protein change: p.Ser41=; no amino-acid change (serine 41 retained).
Molecular consequence: synonymous variant.
Genome position (GRCh38, 1-based): chr20:10,672,965, G>C on the plus strand (C>G on the coding strand, the complement: JAG1 is on the minus strand). VCF-style: chr20-10672965-G-C. GRCh37 (hg19) VCF-style: chr20-10653613-G-C.
Identifiers: ClinVar variation 3573238 (VCV003573238.2).

Conditions:
Arteriohepatic dysplasia. Also called: Alagille Syndrome. Identifiers: Orphanet 52, MedGen C0085280, MeSH D016738, MONDO:0007318.

Submission:

Gilbert/Spinner Lab, Children's Hospital of Philadelphia
No classification provided (evidence only). Condition: Alagille syndrome. Review status: no classification provided. Collection method: research. Allele origin: not applicable. Functional consequence: functionally_abnormal.
ClinVar note: "not provided" was previously submitted as the classification for the variant. However, the classification appeared to be based only on an observation of functional data so it was converted to no classification on 2025-07-30.